The following is an entry in ClinVar:

ClinVar aggregate classification (germline): Uncertain significance (1 of 4 stars; one submission).

Conditions:
Mitochondrial DNA depletion syndrome 13. Also called: FBXL4-Related Encephalomyopathic Mitochondrial DNA Depletion Syndrome; Mitochondrial DNA depletion syndrome 13 (encephalomyopathic type). Identifiers: Orphanet 369897, MedGen C3809592, MONDO:0014198, OMIM 615471.

Allele frequency attached by ClinVar (database versions not stated): gnomAD exomes below 0.00001; ExAC 0.00001.

Submission:

Wong Mito Lab, Molecular and Human Genetics, Baylor College of Medicine
Classification: Uncertain significance for Mitochondrial DNA depletion syndrome 13. Last evaluated: 2017-08-10. Review status: criteria provided, single submitter. Criteria: ACMG Guidelines, 2015. Collection method: reference population. Allele origin: germline.
Comment: The NM_012160.4:c.1553T>G (NP_036292.2:p.Leu518Arg) [GRCH38: NC_000006.12:g.98875564A>C] variant in FBXL4 gene is interpretated to be a Uncertain Significance - Insufficient Evidence based on ACMG guidelines (PMID: 25741868). This variant meets one or more of the following evidence codes reported in the ACMG-guideline. PM2:This variant is absent in key population databases. Based on this evidence code ClinGen Pathogenicity Calculator (PMID:28081714) suggested that the variant is Uncertain Significance - Insufficient Evidence.

NM_001278716.2(FBXL4):c.1553T>G (p.Leu518Arg)

Gene: FBXL4 (F-box and leucine rich repeat protein 4; minus strand). Cytogenetic location: 6q16.1.
Variant type: single nucleotide variant.
Coding change: c.1553T>G on transcript NM_001278716.2 (MANE Select); coding-DNA position 1553, T replaced by G.
Protein change: p.Leu518Arg; replaces leucine 518 with arginine.
Molecular consequence: missense variant. On other transcripts: non-coding transcript variant (1).
Genome position (GRCh38, 1-based): chr6:98,875,564, A>C on the plus strand (T>G on the coding strand, the complement: FBXL4 is on the minus strand). VCF-style: chr6-98875564-A-C. GRCh37 (hg19) VCF-style: chr6-99323440-A-C.
Other names: c.1553T>G, p.Leu518Arg (NM_012160.5); short protein forms L518R.
Identifiers: ClinVar variation 437770 (VCV000437770.1), dbSNP rs760486704, ClinGen allele CA3933424.